The following is an entry in ClinVar:

NM_020070.4(IGLL1):c.618G>A (p.Thr206=)

Gene: IGLL1 (immunoglobulin lambda like polypeptide 1; minus strand). Cytogenetic location: 22q11.23.
Variant type: single nucleotide variant.
Coding change: c.618G>A on transcript NM_020070.4 (MANE Select); coding-DNA position 618, G replaced by A.
Protein change: p.Thr206=; no amino-acid change (threonine 206 retained).
Molecular consequence: synonymous variant. On other transcripts: 3 prime UTR variant (1).
Genome position (GRCh38, 1-based): chr22:23,573,290, C>T on the plus strand (G>A on the coding strand, the complement: IGLL1 is on the minus strand). VCF-style: chr22-23573290-C-T. GRCh37 (hg19) VCF-style: chr22-23915477-C-T.
Other names: c.621G>A, p.Thr207= (NM_001369906.1); c.*247G>A (NM_152855.3).
Identifiers: ClinVar variation 538832 (VCV000538832.27), dbSNP rs147356355, ClinGen allele CA10143204.

ClinVar aggregate classification (germline): Likely benign. Review status: criteria provided, multiple submitters, no conflicts (2 of 4 stars). 4 submissions from 4 submitters: Likely benign (4). Last evaluated 2026-04-01.

Conditions:
Agammaglobulinemia 2, autosomal recessive (AGM2). Also called: AGAMMAGLOBULINEMIA, AUTOSOMAL RECESSIVE, DUE TO IGLL1 DEFECT. Identifiers: MedGen C3150750, MONDO:0013287, OMIM 613500.

Allele frequency attached by ClinVar (database versions not stated): 1000 Genomes Project 0.00040; ESP Exome Variant Server 0.00054; ExAC 0.00061; 1000 Genomes Project 30x 0.00062; gnomAD exomes 0.00074 and 0.00082; TOPMed 0.00078; gnomAD 0.00104 and 0.00106.
gnomAD v4.1: 1,349 of 1,613,992 alleles (0.084%); highest among the groups gnomAD compares: Admixed American, 0.24%; 1 homozygote.

Submissions (4):

CeGaT Center for Human Genetics Tuebingen
Classification: Likely benign. Last evaluated: 2026-04-01. Review status: criteria provided, single submitter. Criteria: CeGaT Center For Human Genetics Tuebingen Variant Classification Criteria Version 2. Collection method: clinical testing. Allele origin: germline. Affected: yes. Observed: 2 variant alleles.
Comment: IGLL1: BP4, BP7

Labcorp Genetics (formerly Invitae), Labcorp
Classification: Likely benign for Agammaglobulinemia 2, autosomal recessive. Last evaluated: 2026-01-12. Review status: criteria provided, single submitter. Criteria: Invitae Variant Classification Sherloc (09022015). Collection method: clinical testing. Allele origin: germline.

Blueprint Genetics
Classification: Likely benign. Last evaluated: 2024-11-05. Review status: criteria provided, single submitter. Criteria: ACMG Guidelines, 2015. Collection method: clinical testing. Allele origin: germline.

Breakthrough Genomics
Classification: Likely benign. Review status: criteria provided, single submitter. Criteria: ACMG Guidelines, 2015. Collection method: not provided. Allele origin: germline. Inheritance: Autosomal recessive inheritance. Affected: yes.